The following is an entry in ClinVar:

NM_001377.3(DYNC2H1):c.2946+1G>C

Gene: DYNC2H1 (dynein cytoplasmic 2 heavy chain 1; plus strand). Cytogenetic location: 11q22.3.
Variant type: single nucleotide variant.
Coding change: c.2946+1G>C on transcript NM_001377.3 (MANE Select); the canonical splice donor site of the intron after coding-DNA position 2946, G replaced by C.
Molecular consequence: splice donor variant.
Genome position (GRCh38, 1-based): chr11:103,148,618, G>C. VCF-style: chr11-103148618-G-C. GRCh37 (hg19) VCF-style: chr11-103019347-G-C.
Other names: c.2946+1G>C (NM_001080463.2).
Identifiers: ClinVar variation 2815287 (VCV002815287.5), dbSNP rs1442922319, ClinGen allele CA382268294.
Genomic context (GRCh38, chr11:103,148,618, plus strand): 5'-GTGGAAGAAATTGGTGATGCAAATCTACAATATAGTAAGTTACAAGAACGGAAGCCAGAG[G>C]TGAGAATCACAAAGTAAAATTATTATTATTACTTTTTACTGCATGGAAAATGTTTAAATT-3'

ClinVar aggregate classification (germline): Likely pathogenic. Review status: criteria provided, multiple submitters, no conflicts (2 of 4 stars). 3 submissions from 3 submitters: Likely pathogenic (3). Last evaluated 2026-06-19.

Conditions:
Jeune thoracic dystrophy. Also called: Short-rib thoracic dysplasia; Jeune syndrome; Infantile thoracic dystrophy; Thoracic pelvic phalangeal dystrophy; Jeune's syndrome; Chondroectodermal dysplasia-like syndrome. Identifiers: Orphanet 474, MedGen C0265275, MONDO:0018770.
Asphyxiating thoracic dystrophy 3. Also called: SHORT-RIB THORACIC DYSPLASIA 3 WITH OR WITHOUT POLYDACTYLY; SHORT-RIB THORACIC DYSPLASIA 3/6 WITH POLYDACTYLY, DIGENIC; Short rib polydactyly syndrome 2B; POLYDACTYLY WITH NEONATAL CHONDRODYSTROPHY, TYPE I; Saldino-Noonan Syndrome. Identifiers: Orphanet 474, Orphanet 93269, Orphanet 93270, Orphanet 93271, MedGen C0036069, MONDO:0013127, OMIM 613091.

Submissions (3):

Myriad Genetics, Inc.
Classification: Likely pathogenic for Asphyxiating thoracic dystrophy 3. Last evaluated: 2026-06-19. Review status: criteria provided, single submitter. Criteria: Myriad Autosomal Dominant, Autosomal Recessive and X-Linked Classification Criteria (2023). Collection method: clinical testing. Allele origin: unknown.
Comment: NM_001377.2(DYNC2H1):c.2946+1G>C is a variant in a canonical splice site classified as likely pathogenic in the context of DYNC2H1-related disorders. c.2946+1G>C has not been observed in cases with relevant disease. Relevant functional assessments of this variant are not available in the literature. c.2946+1G>C has not been observed in referenced population frequency databases. In summary, NM_001377.2(DYNC2H1):c.2946+1G>C is a variant in a canonical splice site in a gene where loss of function is a known mechanism of disease and is predicted to disrupt protein function. Please note: this variant was assessed in the context of healthy population screening.

Fulgent Genetics
Classification: Likely pathogenic for Asphyxiating thoracic dystrophy 3. Last evaluated: 2024-01-23. Review status: criteria provided, single submitter. Criteria: ACMG Guidelines, 2015. Collection method: clinical testing. Allele origin: germline.

Labcorp Genetics (formerly Invitae), Labcorp
Classification: Likely pathogenic for Jeune thoracic dystrophy. Last evaluated: 2023-09-09. Review status: criteria provided, single submitter. Criteria: Invitae Variant Classification Sherloc (09022015). Collection method: clinical testing. Allele origin: germline.
Comment: In summary, the currently available evidence indicates that the variant is pathogenic, but additional data are needed to prove that conclusively. Therefore, this variant has been classified as Likely Pathogenic. Algorithms developed to predict the effect of sequence changes on RNA splicing suggest that this variant may disrupt the consensus splice site. This variant has not been reported in the literature in individuals affected with DYNC2H1-related conditions. This variant is not present in population databases (gnomAD no frequency). This sequence change affects a donor splice site in intron 20 of the DYNC2H1 gene. It is expected to disrupt RNA splicing. Variants that disrupt the donor or acceptor splice site typically lead to a loss of protein function (PMID: 16199547), and loss-of-function variants in DYNC2H1 are known to be pathogenic (PMID: 23339108, 32753734, 33755199).

Literature cited by the submitters: PubMed 16199547 (cited by Labcorp Genetics (formerly Invitae), Labcorp); PubMed 23339108 (cited by Labcorp Genetics (formerly Invitae), Labcorp); PubMed 32753734 (cited by Labcorp Genetics (formerly Invitae), Labcorp); PubMed 33755199 (cited by Labcorp Genetics (formerly Invitae), Labcorp).